The following is an entry in ClinVar:

NM_001365951.3(KIF1B):c.5000T>A (p.Phe1667Tyr)

Gene: KIF1B (kinesin family member 1B; plus strand). Cytogenetic location: 1p36.22.
Variant type: single nucleotide variant.
Coding change: c.5000T>A on transcript NM_001365951.3 (MANE Select); coding-DNA position 5000, T replaced by A.
Protein change: p.Phe1667Tyr; replaces phenylalanine 1667 with tyrosine.
Molecular consequence: missense variant.
Genome position (GRCh38, 1-based): chr1:10,374,369, T>A. VCF-style: chr1-10374369-T-A. GRCh37 (hg19) VCF-style: chr1-10434427-T-A.
Other names: c.5000T>A, p.Phe1667Tyr (NM_001365952.1); c.4862T>A, p.Phe1621Tyr (NM_015074.3); short protein forms F1667Y, F1621Y.
Identifiers: ClinVar variation 2624292 (VCV002624292.3), dbSNP rs1006718339, ClinGen allele CA17855884.

ClinVar aggregate classification (germline): Uncertain significance (1 of 4 stars; one submission).

Allele frequency attached by ClinVar (database versions not stated): gnomAD exomes below 0.00001; TOPMed 0.00002.
gnomAD v4.1: 1 of 1,614,162 alleles (0.000062%); highest among the groups gnomAD compares: African/African-American, 0.0013%; no homozygotes.

Submission:

Ambry Genetics
Classification: Uncertain significance. Last evaluated: 2025-12-07. Review status: criteria provided, single submitter. Criteria: Ambry Variant Classification Scheme 2023. Collection method: clinical testing. Allele origin: germline.
Comment: The p.F1621Y variant (also known as c.4862T>A), located in coding exon 43 of the KIF1B gene, results from a T to A substitution at nucleotide position 4862. The phenylalanine at codon 1621 is replaced by tyrosine, an amino acid with highly similar properties. This amino acid position is highly conserved in available vertebrate species. In addition, the in silico prediction for this alteration is inconclusive. The evidence for this gene-disease relationship is limited; therefore, the clinical significance of this alteration is unclear.